The following is an entry in ClinVar:

ClinVar aggregate classification (germline): Pathogenic (1 of 4 stars; one submission).

Conditions:
Smith-Magenis syndrome (SMS). Also called: CHROMOSOME 17p11.2 DELETION SYNDROME. Identifiers: Orphanet 819, MedGen C0795864, MONDO:0008434, OMIM 182290.

Submission:

Variantyx, Inc.
Classification: Pathogenic for Smith-Magenis syndrome. Last evaluated: 2025-12-10. Review status: criteria provided, single submitter. Criteria: Variantyx Assertion Criteria 2022. Collection method: clinical testing. Allele origin: de novo. Inheritance: Autosomal dominant inheritance. Affected: yes.
Comment: This is a nonsense variant in the RAI1 gene (OMIM: 607642). Pathogenic variants in this gene have been associated with autosomal dominant Smith Magenis syndrome. The alteration introduces a premature termination codon in exon 3 out of 6 and is expected to result in loss of function, which is a known disease mechanism for RAI1 in this disorder (PMID: 21857958, 24715852) (PVS1). This variant is absent from control populations (PM2), and it has not been reported in individuals with RAI1-related disorders in the databases available for review. Based on the current evidence, this variant is classified as pathogenic for autosomal dominant Smith Magenis syndrome.

Literature cited by the submitters: PubMed 21857958; PubMed 24715852.

NM_030665.4(RAI1):c.274C>T (p.Gln92Ter)

Gene: RAI1 (retinoic acid induced 1; plus strand). Cytogenetic location: 17p11.2.
Variant type: single nucleotide variant.
Coding change: c.274C>T on transcript NM_030665.4 (MANE Select); coding-DNA position 274, C replaced by T.
Protein change: p.Gln92Ter; replaces glutamine 92 with a stop codon.
Molecular consequence: nonsense.
Genome position (GRCh38, 1-based): chr17:17,793,222, C>T. VCF-style: chr17-17793222-C-T. GRCh37 (hg19) VCF-style: chr17-17696536-C-T.
Other names: short protein forms Q92*.
Identifiers: ClinVar variation 4850814 (VCV004850814.1).